The following is an entry in ClinVar:

ClinVar aggregate classification (germline): Pathogenic (1 of 4 stars; one submission).

Submission:

Labcorp Genetics (formerly Invitae), Labcorp
Classification: Pathogenic. Last evaluated: 2024-01-25. Review status: criteria provided, single submitter. Criteria: Invitae Variant Classification Sherloc (09022015). Collection method: clinical testing. Allele origin: germline.
Comment: This sequence change creates a premature translational stop signal (p.Trp1360*) in the ADGRV1 gene. It is expected to result in an absent or disrupted protein product. Loss-of-function variants in ADGRV1 are known to be pathogenic (PMID: 19357117, 22135276, 22147658, 26226137, 30718709, 31047384, 32467589). This variant is not present in population databases (gnomAD no frequency). This variant has not been reported in the literature in individuals affected with ADGRV1-related conditions. For these reasons, this variant has been classified as Pathogenic.

Literature cited by the submitters: PubMed 19357117; PubMed 22135276; PubMed 22147658; PubMed 26226137; PubMed 30718709; PubMed 31047384; PubMed 32467589.

NM_032119.4(ADGRV1):c.4080G>A (p.Trp1360Ter)

Gene: ADGRV1 (adhesion G protein-coupled receptor V1; plus strand). Cytogenetic location: 5q14.3.
Variant type: single nucleotide variant.
Coding change: c.4080G>A on transcript NM_032119.4 (MANE Select); coding-DNA position 4080, G replaced by A.
Protein change: p.Trp1360Ter; replaces tryptophan 1360 with a stop codon.
Molecular consequence: nonsense. On other transcripts: non-coding transcript variant (1).
Genome position (GRCh38, 1-based): chr5:90,653,654, G>A. VCF-style: chr5-90653654-G-A. GRCh37 (hg19) VCF-style: chr5-89949471-G-A.
Other names: short protein forms W1360*.
Identifiers: ClinVar variation 2711550 (VCV002711550.3), dbSNP rs867701145, ClinGen allele CA121839869.